The following is an entry in ClinVar:

NM_000965.5(RARB):c.644T>C (p.Leu215Pro)

Gene: RARB (retinoic acid receptor beta; plus strand). Cytogenetic location: 3p24.2.
Variant type: single nucleotide variant.
Coding change: c.644T>C on transcript NM_000965.5 (MANE Select); coding-DNA position 644, T replaced by C.
Protein change: p.Leu215Pro; replaces leucine 215 with proline.
Molecular consequence: missense variant. On other transcripts: non-coding transcript variant (2).
Genome position (GRCh38, 1-based): chr3:25,580,580, T>C. VCF-style: chr3-25580580-T-C. GRCh37 (hg19) VCF-style: chr3-25622071-T-C.
Other names: c.665T>C, p.Leu222Pro (NM_001290216.3); c.308T>C, p.Leu103Pro (NM_001290217.2, NM_001290276.2, NM_016152.4); c.497T>C, p.Leu166Pro (NM_001290266.2); c.644T>C, p.Leu215Pro (NM_001290277.1); c.515T>C, p.Leu172Pro (NM_001290300.2); short protein forms L103P, L166P, L172P, L215P, L222P.
Identifiers: ClinVar variation 1695550 (VCV001695550.2), dbSNP rs761994018, ClinGen allele CA2287763.

ClinVar aggregate classification (germline): Uncertain significance (1 of 4 stars; one submission).

Allele frequency attached by ClinVar (database versions not stated): gnomAD exomes below 0.00001; ExAC 0.00001.

Submission:

GeneDx
Classification: Uncertain significance. Last evaluated: 2022-01-05. Review status: criteria provided, single submitter. Criteria: GeneDx Variant Classification Process June 2021. Collection method: clinical testing. Allele origin: germline. Affected: yes.
Comment: In silico analysis supports that this missense variant has a deleterious effect on protein structure/function; Has not been previously published as pathogenic or benign to our knowledge